The following is an entry in ClinVar:

NM_033310.3(KCNK4):c.856G>A (p.Val286Met)

Genes: KCNK4 (potassium two pore domain channel subfamily K member 4; plus strand), KCNK4-CATSPERZ (KCNK4-CATSPERZ readthrough (NMD candidate); plus strand). Cytogenetic location: 11q13.1.
Variant type: single nucleotide variant.
Coding change: c.856G>A on transcript NM_033310.3 (MANE Select); coding-DNA position 856, G replaced by A.
Protein change: p.Val286Met; replaces valine 286 with methionine.
Molecular consequence: missense variant. On other transcripts: non-coding transcript variant (3).
Genome position (GRCh38, 1-based): chr11:64,299,400, G>A. VCF-style: chr11-64299400-G-A. GRCh37 (hg19) VCF-style: chr11-64066872-G-A.
Other names: c.856G>A, p.Val286Met (NM_001317090.2); short protein forms V286M.
Identifiers: ClinVar variation 3608927 (VCV003608927.2).
Genomic context (GRCh38, chr11:64,299,400, plus strand): 5'-GTGCAGATGGGCGGCCTCACGGCTCAGGCTGCCAGCTGGACTGGCACGGTGACAGCGCGC[G>A]TGACCCAGCGAGCCGGGCCCGCCGCCCCGCCGCCGGAGAAGGAGCAGCCACTGCTGCCTC-3'
Protein context (NP_201567.1, residues 276-296): ASWTGTVTAR[Val286Met]TQRAGPAAPP

ClinVar aggregate classification (germline): Uncertain significance (1 of 4 stars; one submission).

Submission:

Labcorp Genetics (formerly Invitae), Labcorp
Classification: Uncertain significance. Last evaluated: 2024-12-22. Review status: criteria provided, single submitter. Criteria: Invitae Variant Classification Sherloc (09022015). Collection method: clinical testing. Allele origin: germline.
Comment: This sequence change replaces valine, which is neutral and non-polar, with methionine, which is neutral and non-polar, at codon 286 of the KCNK4 protein (p.Val286Met). This variant is not present in population databases (gnomAD no frequency). This variant has not been reported in the literature in individuals affected with KCNK4-related conditions. An algorithm developed to predict the effect of missense changes on protein structure and function (PolyPhen-2) suggests that this variant is likely to be disruptive. In summary, the available evidence is currently insufficient to determine the role of this variant in disease. Therefore, it has been classified as a Variant of Uncertain Significance.